The following is an entry in ClinVar:

ClinVar aggregate classification (germline): Uncertain significance. Review status: criteria provided, multiple submitters, no conflicts (2 of 4 stars). 2 submissions from 2 submitters: Uncertain significance (2). Last evaluated 2025-12-15.

Conditions:
Familial cold autoinflammatory syndrome 2 (FCAS2). Identifiers: Orphanet 247868, MedGen C2673198, MONDO:0012724, OMIM 611762.

Allele frequency attached by ClinVar (database versions not stated): ExAC 0.00001; gnomAD exomes 0.00001 and 0.00002; TOPMed 0.00002; gnomAD 0.00003 and 0.00004.
gnomAD v4.1: 23 of 1,613,702 alleles (0.0014%); highest among the groups gnomAD compares: East Asian, 0.0022%; no homozygotes.

Submissions (2):

Labcorp Genetics (formerly Invitae), Labcorp
Classification: Uncertain significance for Familial cold autoinflammatory syndrome 2. Last evaluated: 2025-12-15. Review status: criteria provided, single submitter. Criteria: Invitae Variant Classification Sherloc (09022015). Collection method: clinical testing. Allele origin: germline.
Comment: This sequence change replaces leucine, which is neutral and non-polar, with proline, which is neutral and non-polar, at codon 918 of the NLRP12 protein (p.Leu918Pro). The frequency data for this variant in the population databases is considered unreliable, as metrics indicate poor data quality at this position in the gnomAD database. This variant has not been reported in the literature in individuals affected with NLRP12-related conditions. ClinVar contains an entry for this variant (Variation ID: 330012). An algorithm developed to predict the effect of missense changes on protein structure and function (PolyPhen-2) suggests that this variant is likely to be disruptive. In summary, the available evidence is currently insufficient to determine the role of this variant in disease. Therefore, it has been classified as a Variant of Uncertain Significance.

Illumina Laboratory Services, Illumina
Classification: Uncertain significance for Familial cold autoinflammatory syndrome 2. Last evaluated: 2018-01-13. Review status: criteria provided, single submitter. Criteria: ICSL Variant Classification Criteria 13 December 2019. Collection method: clinical testing. Allele origin: germline.

NM_144687.4(NLRP12):c.2753T>C (p.Leu918Pro)

Gene: NLRP12 (NLR family pyrin domain containing 12; minus strand). Cytogenetic location: 19q13.42.
Variant type: single nucleotide variant.
Coding change: c.2753T>C on transcript NM_144687.4 (MANE Select); coding-DNA position 2753, T replaced by C.
Protein change: p.Leu918Pro; replaces leucine 918 with proline.
Molecular consequence: missense variant.
Genome position (GRCh38, 1-based): chr19:53,801,230, A>G on the plus strand (T>C on the coding strand, the complement: NLRP12 is on the minus strand). VCF-style: chr19-53801230-A-G. GRCh37 (hg19) VCF-style: chr19-54304484-A-G.
Other names: c.2756T>C, p.Leu919Pro (NM_001277126.2); c.2753T>C, p.Leu918Pro (NM_001277129.1); short protein forms L918P, L919P.
Identifiers: ClinVar variation 330012 (VCV000330012.12), dbSNP rs777228735, ClinGen allele CA9638942.